The following is an entry in ClinVar:

ClinVar aggregate classification (germline): Pathogenic (1 of 4 stars; one submission).

Submission:

Quest Diagnostics Nichols Institute San Juan Capistrano
Classification: Pathogenic. Last evaluated: 2024-06-18. Review status: criteria provided, single submitter. Criteria: ACMG/ClinGen CNV Guidelines, 2019. Collection method: clinical testing. Allele origin: unknown.
Comment: This loss overlaps a 1.6 Mb critical region consistent with 12q21 deletion syndrome (Di Nora 2022, Niclass 2020, Recalcati 2022). Heterozygous loss-of-function variants of PPP1R12A are associated with genitourinary and/or brain malformation syndrome (GUBS; OMIM 618820; Alkhunaizi 2024, Diao 2023, Hughes 2020, Picard 2022). There are no similar copy number losses of this region in the general populations of the Database of Genomic Variants. Thus, based on current medical literature and gene content, this copy number variant (CNV) is classified as pathogenic. References: Alkhunaizi et al., GeneReviews [2024 Mar 7]. PMID: 34499436 ;Di Nora et al., Glob Med Genet. 2022 Jul 21;9(3):214-218. PMID: 35873668; Diao et al., Mol Genet Genomic Med. 2023 Oct;11(10):e2223. PMID: 37272772; Hughes et al., Am J Hum Genet. 2020 Jan 2;106(1):121-128. PMID: 31883643; Niclass et al., Am J Med Genet A. 2020 Sep;182(9):2133-2138. PMID: 32633079; Picard et al., Hum Reprod. 2022 Nov 24;37(12):2952-2959. PMID: 36331510; Recalcati et al., Genes (Basel). 2022 Apr 27;13(5):780. PMID: 35627165

GRCh37/hg19 12q21.2-21.31(chr12:77722340-80774552)x1

Genes: NAV3 (neuron navigator 3; plus strand), OTOGL (otogelin like; plus strand), PAWR (pro-apoptotic WT1 regulator; minus strand), PPP1R12A (protein phosphatase 1 regulatory subunit 12A; minus strand), SYT1 (synaptotagmin 1; plus strand). Cytogenetic location: 12q21.2-21.31.
Variant type: copy number loss.
Change: copy number 1 (one copy instead of two) of chr12:77,722,340-80,774,552 (3.05 Mb, GRCh37 coordinates, 1-based), cytogenetic band 12q21.2-21.31.
Identifiers: ClinVar variation 3391919 (VCV003391919.1).